The following is an entry in ClinVar:

ClinVar aggregate classification (germline): Uncertain significance (1 of 4 stars; one submission).

Conditions:
Familial thoracic aortic aneurysm and aortic dissection (TAAD). Also called: Thoracic aortic aneurysms and dissections. Identifiers: Orphanet 91387, MedGen C4707243, MONDO:0019625.
Hereditary cancer-predisposing syndrome. Also called: Tumor predisposition; Neoplastic Syndromes, Hereditary; Hereditary neoplastic syndrome; Hereditary Cancer Syndrome. Identifiers: Orphanet 140162, MedGen C0027672, MeSH D009386, MONDO:0015356.

Submission:

Ambry Genetics
Classification: Uncertain significance for Hereditary cancer-predisposing syndrome; Familial thoracic aortic aneurysm and aortic dissection. Last evaluated: 2024-09-01. Review status: criteria provided, single submitter. Criteria: Ambry Variant Classification Scheme 2023. Collection method: clinical testing. Allele origin: germline.
Comment: The p.D165E variant (also known as c.495C>G), located in coding exon 4 of the SMAD4 gene, results from a C to G substitution at nucleotide position 495. The aspartic acid at codon 165 is replaced by glutamic acid, an amino acid with highly similar properties. This amino acid position is conserved. In addition, the in silico prediction for this alteration is inconclusive. Based on the available evidence, the clinical significance of this variant remains unclear.

NM_005359.6(SMAD4):c.495C>G (p.Asp165Glu)

Gene: SMAD4 (SMAD family member 4; plus strand). Cytogenetic location: 18q21.2.
Variant type: single nucleotide variant.
Coding change: c.495C>G on transcript NM_005359.6 (MANE Select); coding-DNA position 495, C replaced by G.
Protein change: p.Asp165Glu; replaces aspartic acid 165 with glutamic acid.
Molecular consequence: missense variant. On other transcripts: non-coding transcript variant (2).
Genome position (GRCh38, 1-based): chr18:51,054,821, C>G. VCF-style: chr18-51054821-C-G. GRCh37 (hg19) VCF-style: chr18-48581191-C-G.
Other names: c.495C>G, p.Asp165Glu (NM_001407041.1, NM_001407042.1, NM_001407043.1); short protein forms D165E.
Identifiers: ClinVar variation 3445853 (VCV003445853.1).